The following is an entry in ClinVar:

ClinVar aggregate classification (germline): Likely pathogenic. Review status: criteria provided, multiple submitters, no conflicts (2 of 4 stars). 2 submissions from 2 submitters: Likely pathogenic (2). Last evaluated 2022-07-06.

Conditions:
Dilated cardiomyopathy 1G (CMD1G). Identifiers: Orphanet 154, MedGen C1858763, MONDO:0011400, OMIM 604145.
Autosomal recessive limb-girdle muscular dystrophy type 2J (LGMDR10). Also called: MUSCULAR DYSTROPHY, LIMB-GIRDLE, AUTOSOMAL RECESSIVE 10; Limb-girdle muscular dystrophy, type 2J. Identifiers: Orphanet 140922, MedGen C1837342, MONDO:0012127, OMIM 608807.

Submissions (2):

Labcorp Genetics (formerly Invitae), Labcorp
Classification: Likely pathogenic for Dilated cardiomyopathy 1G; Autosomal recessive limb-girdle muscular dystrophy type 2J. Last evaluated: 2022-07-06. Review status: criteria provided, single submitter. Criteria: Invitae Variant Classification Sherloc (09022015). Collection method: clinical testing. Allele origin: germline.
Comment: In summary, the currently available evidence indicates that the variant is pathogenic, but additional data are needed to prove that conclusively. Therefore, this variant has been classified as Likely Pathogenic. This variant is located in the A band of TTN (PMID: 25589632). Truncating variants in this region are significantly overrepresented in patients affected with dilated cardiomyopathy (PMID: 25589632). Truncating variants in this region have also been reported in individuals affected with autosomal recessive centronuclear myopathy (PMID: 23975875). ClinVar contains an entry for this variant (Variation ID: 196151). This variant has not been reported in the literature in individuals affected with TTN-related conditions. This variant is not present in population databases (gnomAD no frequency). This sequence change creates a premature translational stop signal (p.Asp29660Valfs*4) in the TTN gene. While this is not anticipated to result in nonsense mediated decay, it is expected to create a truncated TTN protein.

Eurofins Ntd Llc (ga)
Classification: Likely pathogenic. Last evaluated: 2014-10-30. Review status: criteria provided, single submitter. Criteria: EGL Classification Definitions 2015. Collection method: clinical testing. Allele origin: germline. Observed: 1 variant allele, 1 heterozygote.

Literature cited by the submitters: PubMed 25589632 (cited by Labcorp Genetics (formerly Invitae), Labcorp); PubMed 23975875 (cited by Labcorp Genetics (formerly Invitae), Labcorp).

NM_001267550.2(TTN):c.88979_88985del (p.Asp29660fs)

Genes: TTN-AS1 (TTN antisense RNA 1; plus strand), TTN (titin; minus strand). Cytogenetic location: 2q31.2.
Variant type: Deletion.
Coding change: c.88979_88985del on transcript NM_001267550.2 (MANE Select); coding-DNA positions 88979 to 88985, 7 bases deleted (ATGGCGG; older notation c.88979_88985delATGGCGG).
Protein change: p.Asp29660fs; shifts the reading frame from aspartic acid 29660.
Molecular consequence: frameshift variant.
Genome position (GRCh38, 1-based): chr2:178,554,126-178,554,132, CCGCCAT deleted on the plus strand (ATGGCGG on the coding strand, the reverse complement: TTN is on the minus strand); deleting any 7 consecutive bases within chr2:178,554,126-178,554,133 gives the same sequence; the c. name uses the placement nearest the transcript's 3' end. VCF-style (leftmost placement, unchanged base first): chr2-178554125-ACCGCCAT-A. GRCh37 (hg19) VCF-style: chr2-179418852-ACCGCCAT-A.
Other names: c.84056_84062del, p.Asp28019fs (NM_001256850.1); c.61784_61790del, p.Asp20595fs (NM_003319.4); c.81275_81281del, p.Asp27092fs (NM_133378.4); c.62159_62165del, p.Asp20720fs (NM_133432.3); c.62360_62366del, p.Asp20787fs (NM_133437.4); c.88979_88985delATGGCGG (NM_001267550.2); short protein forms D20595fs, D27092fs, D28019fs, D29660fs, D20720fs, D20787fs.
Identifiers: ClinVar variation 196151 (VCV000196151.12), dbSNP rs794727468, ClinGen allele CA275154.